The following is an entry in ClinVar:

ClinVar aggregate classification (germline): Likely benign (0 of 4 stars; one submission).

Conditions:
CELSR1-related disorder. Also called: CELSR1-related condition.

Allele frequency attached by ClinVar (database versions not stated): gnomAD exomes 0.00002; ExAC 0.00003; gnomAD 0.00003; TOPMed 0.00003; ESP Exome Variant Server 0.00008; 1000 Genomes Project 0.00020; 1000 Genomes Project 30x 0.00031.
gnomAD v4.1: 34 of 1,613,160 alleles (0.0021%); highest among the groups gnomAD compares: Middle Eastern, 0.033%; no homozygotes.

Submission:

PreventionGenetics, part of Exact Sciences
Classification: Likely benign for CELSR1-related condition. Last evaluated: 2021-11-11. Review status: no assertion criteria provided. Collection method: clinical testing. Allele origin: germline.
Comment: This variant is classified as likely benign based on ACMG/AMP sequence variant interpretation guidelines (Richards et al. 2015 PMID: 25741868, with internal and published modifications).

NM_001378328.1(CELSR1):c.5178C>T (p.Ser1726=)

Gene: CELSR1 (cadherin EGF LAG seven-pass G-type receptor 1; minus strand). Cytogenetic location: 22q13.31.
Variant type: single nucleotide variant.
Coding change: c.5178C>T on transcript NM_001378328.1 (MANE Select); coding-DNA position 5178, C replaced by T.
Protein change: p.Ser1726=; no amino-acid change (serine 1726 retained).
Molecular consequence: synonymous variant.
Genome position (GRCh38, 1-based): chr22:46,409,044, G>A on the plus strand (C>T on the coding strand, the complement: CELSR1 is on the minus strand). VCF-style: chr22-46409044-G-A. GRCh37 (hg19) VCF-style: chr22-46804941-G-A.
Other names: c.5178C>T, p.Ser1726= (NM_014246.4).
Identifiers: ClinVar variation 3060998 (VCV003060998.2), dbSNP rs140815664, ClinGen allele CA10294352.